The following is an entry in ClinVar:

NM_006218.4(PIK3CA):c.2645A>G (p.Lys882Arg)

Gene: PIK3CA (phosphatidylinositol-4,5-bisphosphate 3-kinase catalytic subunit alpha; plus strand). Cytogenetic location: 3q26.32.
Variant type: single nucleotide variant.
Coding change: c.2645A>G on transcript NM_006218.4 (MANE Select); coding-DNA position 2645, A replaced by G.
Protein change: p.Lys882Arg; replaces lysine 882 with arginine.
Molecular consequence: missense variant.
Genome position (GRCh38, 1-based): chr3:179,229,421, A>G. VCF-style: chr3-179229421-A-G. GRCh37 (hg19) VCF-style: chr3-178947209-A-G.
Other names: short protein forms K882R.
Identifiers: ClinVar variation 1794236 (VCV001794236.2), dbSNP rs1725161040, ClinGen allele CA355278862.

ClinVar aggregate classification (germline): Uncertain significance (1 of 4 stars; one submission).

Conditions:
Inborn genetic diseases. Identifiers: MedGen C0950123, MeSH D030342.

Allele frequency attached by ClinVar (database versions not stated): gnomAD exomes below 0.00001; TOPMed below 0.00001.
gnomAD v4.1: 1 of 1,611,962 alleles (0.000062%); highest among the groups gnomAD compares: Non-Finnish European, 0.000085%; no homozygotes.

Submission:

Ambry Genetics
Classification: Uncertain significance for Inborn genetic diseases. Last evaluated: 2021-09-12. Review status: criteria provided, single submitter. Criteria: Ambry Variant Classification Scheme 2023. Collection method: clinical testing. Allele origin: germline.
Comment: The p.K882R variant (also known as c.2645A>G), located in coding exon 17 of the PIK3CA gene, results from an A to G substitution at nucleotide position 2645. The lysine at codon 882 is replaced by arginine, an amino acid with highly similar properties. This amino acid position is conserved. In addition, this alteration is predicted to be tolerated by in silico analysis. Since supporting evidence is limited at this time, the clinical significance of this alteration remains unclear.